The following is an entry in ClinVar:

NM_020774.4(MIB1):c.1226A>G (p.Asn409Ser)

Gene: MIB1 (MIB E3 ubiquitin protein ligase 1; plus strand). Cytogenetic location: 18q11.2.
Variant type: single nucleotide variant.
Coding change: c.1226A>G on transcript NM_020774.4 (MANE Select); coding-DNA position 1226, A replaced by G.
Protein change: p.Asn409Ser; replaces asparagine 409 with serine.
Molecular consequence: missense variant.
Genome position (GRCh38, 1-based): chr18:21,798,217, A>G. VCF-style: chr18-21798217-A-G. GRCh37 (hg19) VCF-style: chr18-19378178-A-G.
Other names: short protein forms N409S.
Identifiers: ClinVar variation 2443582 (VCV002443582.2), dbSNP rs138693285, ClinGen allele CA8908234.
Genomic context (GRCh38, chr18:21,798,217, plus strand): 5'-CTTGGACATACAATCCAGCAGCAGTTTCCAAGGTGGCATCTGCAGGATCAGCCATTAGCA[A>G]TGCATCTGGTGGTATGTTTTATATTGTGTTTCTTTAAGAGTAATGTGGTTTACATTAAAA-3'
Protein context (NP_065825.1, residues 399-419): KVASAGSAIS[Asn409Ser]ASGERLSQLL

ClinVar aggregate classification (germline): Uncertain significance (1 of 4 stars; one submission).

Allele frequency attached by ClinVar (database versions not stated): ExAC 0.00010; gnomAD 0.00011; gnomAD exomes 0.00011; TOPMed 0.00015; 1000 Genomes Project 30x 0.00016; 1000 Genomes Project 0.00020.
gnomAD v4.1: 186 of 1,612,992 alleles (0.012%); highest among the groups gnomAD compares: East Asian, 0.029%; no homozygotes.

Submission:

GeneDx
Classification: Uncertain significance. Last evaluated: 2023-10-12. Review status: criteria provided, single submitter. Criteria: GeneDx Variant Classification Process June 2021. Collection method: clinical testing. Allele origin: germline. Affected: yes.
Comment: In silico analysis supports that this missense variant does not alter protein structure/function; Has not been previously published as pathogenic or benign to our knowledge